The following is an entry in ClinVar:

NM_005629.4(SLC6A8):c.625_627delinsGCG (p.Pro209Ala)

Gene: SLC6A8 (solute carrier family 6 member 8; plus strand). Cytogenetic location: Xq28.
Variant type: Indel.
Coding change: c.625_627delinsGCG on transcript NM_005629.4 (MANE Select); coding-DNA positions 625 to 627, CCT replaced by GCG.
Protein change: p.Pro209Ala; replaces proline 209 with alanine.
Molecular consequence: missense variant.
Genome position (GRCh38, 1-based): chrX:153,691,534-153,691,536, CCT replaced by GCG. VCF-style: chrX-153691534-CCT-GCG. GRCh37 (hg19) VCF-style: chrX-152956989-CCT-GCG.
Other names: c.625_627delinsGCG, p.Pro209Ala (NM_001142805.2); c.280_282delinsGCG, p.Pro94Ala (NM_001142806.1); short protein forms P209A, P94A.
Identifiers: ClinVar variation 3765960 (VCV003765960.1).
Genomic context (GRCh38, chrX:153,691,534, plus strand): 5'-GACTGTGCCAATGCCAGCCTGGCCAACCTCACCTGTGACCAGCTTGCTGACCGCCGGTCC[CCT>GCG]GTCATCGAGTTCTGGGAGTGAGTCCGGCACCTCTGGGCCAAGCCCATCCCATCCCCCAGG-3'
Protein context (NP_005620.1, residues 199-219): TCDQLADRRS[Pro209Ala]VIEFWENKVL

ClinVar aggregate classification (germline): Uncertain significance (1 of 4 stars; one submission).

Submission:

GeneDx
Classification: Uncertain significance. Last evaluated: 2024-08-29. Review status: criteria provided, single submitter. Criteria: GeneDx Variant Classification Process June 2021. Collection method: clinical testing. Allele origin: germline. Affected: yes.
Comment: Not observed at significant frequency in large population cohorts (gnomAD); In silico analysis supports a deleterious effect on protein structure/function; Has not been previously published as pathogenic or benign to our knowledge